The following is an entry in ClinVar:

ClinVar aggregate classification (germline): Likely benign. Review status: criteria provided, multiple submitters, no conflicts (2 of 4 stars). 3 submissions from 3 submitters: Likely benign (2). 1 of the submissions does not count toward it. Last evaluated 2026-03-01.

Conditions:
MPZL2-related disorder. Also called: MPZL2-related condition.

Allele frequency attached by ClinVar (database versions not stated): gnomAD exomes 0.00017; ExAC 0.00054; gnomAD 0.00184; TOPMed 0.00205; ESP Exome Variant Server 0.00223; 1000 Genomes Project 30x 0.00312; 1000 Genomes Project 0.00319.

Submissions (3):

CeGaT Center for Human Genetics Tuebingen
Classification: Likely benign. Last evaluated: 2026-03-01. Review status: criteria provided, single submitter. Criteria: CeGaT Center For Human Genetics Tuebingen Variant Classification Criteria Version 2. Collection method: clinical testing. Allele origin: germline. Affected: yes. Observed: 1 variant allele.
Comment: MPZL2: BP4, BP7

Blueprint Genetics
Classification: Likely benign. Last evaluated: 2024-10-24. Review status: criteria provided, single submitter. Criteria: ACMG Guidelines, 2015. Collection method: clinical testing. Allele origin: germline.

PreventionGenetics, part of Exact Sciences
Classification: Likely benign for MPZL2-related condition. Last evaluated: 2019-04-29. Review status: no assertion criteria provided. Collection method: clinical testing. Allele origin: germline. Not counted in ClinVar's aggregate classification.
Comment: This variant is classified as likely benign based on ACMG/AMP sequence variant interpretation guidelines (Richards et al. 2015 PMID: 25741868, with internal and published modifications).

NM_005797.4(MPZL2):c.345C>T (p.Phe115=)

Gene: MPZL2 (myelin protein zero like 2; minus strand). Cytogenetic location: 11q23.3.
Variant type: single nucleotide variant.
Coding change: c.345C>T on transcript NM_005797.4 (MANE Select); coding-DNA position 345, C replaced by T.
Protein change: p.Phe115=; no amino-acid change (phenylalanine 115 retained).
Molecular consequence: synonymous variant.
Genome position (GRCh38, 1-based): chr11:118,262,529, G>A on the plus strand (C>T on the coding strand, the complement: MPZL2 is on the minus strand). VCF-style: chr11-118262529-G-A. GRCh37 (hg19) VCF-style: chr11-118133244-G-A.
Other names: c.345C>T, p.Phe115= (NM_144765.3).
Identifiers: ClinVar variation 3057026 (VCV003057026.7), dbSNP rs149678028, ClinGen allele CA6301385.
Genomic context (GRCh38, chr11:118,262,529, plus strand): 5'-TATCACCCCATCAACATCAGGTGGGTTCTTCACCTGGCAGGTGTATGTCCCATTGTCGTC[G>A]AACTGCAGTTTCCAGAGAAGGATGGAGGCATCGTACCGCTCAGGATTCCCATCCCAAGAC-3'
Protein context (NP_005788.1, residues 105-125): DASILLWKLQ[Phe115=]DDNGTYTCQV